The following is an entry in ClinVar:

ClinVar aggregate classification (germline): Pathogenic (1 of 4 stars; one submission).

Conditions:
Reticular dysgenesis. Also called: ALEUKOCYTOSIS; CONGENITAL ALEUKIA; HEMATOPOIETIC HYPOPLASIA, GENERALIZED; RETICULAR DYSGENESIA; SEVERE COMBINED IMMUNODEFICIENCY WITH LEUKOPENIA; DeVaal disease. Identifiers: Orphanet 33355, MedGen C0272167, MONDO:0009973, OMIM 267500.

Submission:

Labcorp Genetics (formerly Invitae), Labcorp
Classification: Pathogenic for Reticular dysgenesis. Last evaluated: 2023-08-10. Review status: criteria provided, single submitter. Criteria: Invitae Variant Classification Sherloc (09022015). Collection method: clinical testing. Allele origin: germline.
Comment: This variant is a gross deletion of the genomic region encompassing exon(s) 1-2 of the AK2 gene, which includes the initiator codon. This deletion extends beyond the assayed region for this gene and therefore may encompass additional genes. It is expected to result in an absent or disrupted protein product. Loss-of-function variants in AK2 are known to be pathogenic (PMID: 19043416, 19043417, 19414857). This variant has not been reported in the literature in individuals affected with AK2-related conditions. For these reasons, this variant has been classified as Pathogenic.

Literature cited by the submitters: PubMed 19043416; PubMed 19043417; PubMed 19414857.

NC_000001.10:g.(?_33490023)_(33502429_?)del

Gene: AK2 (adenylate kinase 2; minus strand). Cytogenetic location: 1p35.1.
Variant type: Deletion.
Identifiers: ClinVar variation 1455489 (VCV001455489.5).